The following is an entry in ClinVar:

NM_003183.6(ADAM17):c.2390del (p.Asp797fs)

Genes: ADAM17 (ADAM metallopeptidase domain 17; minus strand), IAH1 (isoamyl acetate hydrolyzing esterase 1 (putative); plus strand). Cytogenetic location: 2p25.1.
Variant type: Deletion.
Coding change: c.2390del on transcript NM_003183.6 (MANE Select); coding-DNA position 2390, one base deleted (A; older notation c.2390delA).
Protein change: p.Asp797fs; shifts the reading frame from aspartic acid 797.
Molecular consequence: frameshift variant.
Genome position (GRCh38, 1-based): chr2:9,490,262, T deleted on the plus strand (A on the coding strand, the reverse complement: ADAM17 is on the minus strand). VCF-style (leftmost placement, unchanged base first): chr2-9490261-GT-G. GRCh37 (hg19) VCF-style: chr2-9630390-GT-G.
Other names: c.1730del, p.Asp577fs (NM_001382777.1); c.1493del, p.Asp498fs (NM_001382778.1); c.2390delA (NM_003183.6); c.2390del (NM_003183.5); short protein forms D498fs, D577fs, D797fs.
Identifiers: ClinVar variation 1676227 (VCV001676227.3), dbSNP rs2124947949, ClinGen allele CA1630577519.

ClinVar aggregate classification (germline): Uncertain significance. Review status: criteria provided, multiple submitters, no conflicts (2 of 4 stars). 2 submissions from 2 submitters: Uncertain significance (2). Last evaluated 2024-05-02.

Conditions:
Inflammatory skin and bowel disease, neonatal, 1. Identifiers: Orphanet 294023, MedGen C3280501, MONDO:0013693, OMIM 614328.

Submissions (2):

Fulgent Genetics
Classification: Uncertain significance for Inflammatory skin and bowel disease, neonatal, 1. Last evaluated: 2024-05-02. Review status: criteria provided, single submitter. Criteria: ACMG Guidelines, 2015. Collection method: clinical testing. Allele origin: germline.

Molecular Genetics, Royal Melbourne Hospital
Classification: Uncertain significance for Inflammatory skin and bowel disease, neonatal, 1. Last evaluated: 2021-07-02. Review status: criteria provided, single submitter. Criteria: ACMG Guidelines, 2015. Collection method: clinical testing. Allele origin: germline.
Comment: This sequence change is a deletion of 1 bp in exon 19 (of 19) of ADAM17 that is predicted to cause loss of the termination codon and elongate the protein by 28 amino acids creating a termination codon at position 853 (p.(Asp797Alafs*57)). Loss of function is the mechanism of disease for this gene (PMID: 22010916, 29560122, 26683521, 25804906). The variant is absent in a large population cohort (gnomAD v2.1 and v3.1), and has not been reported in the relevant medical literature of databases. Based on the classification scheme RMH Modified ACMG Guidelines v1.4.0, this variant is classified as a VARIANT OF UNCERTAIN SIGNIFICANCE. Following criteria are met: PVS1_Moderate, PM2_Supporting.

Literature cited by the submitters: PubMed 22010916 (cited by Molecular Genetics, Royal Melbourne Hospital); PubMed 25804906 (cited by Molecular Genetics, Royal Melbourne Hospital); PubMed 26683521 (cited by Molecular Genetics, Royal Melbourne Hospital); PubMed 29560122 (cited by Molecular Genetics, Royal Melbourne Hospital).